The following is an entry in ClinVar:

ClinVar aggregate classification (germline): Uncertain significance. Review status: criteria provided, multiple submitters, no conflicts (2 of 4 stars). 2 submissions from 2 submitters: Uncertain significance (2). Last evaluated 2023-09-26.

Allele frequency attached by ClinVar (database versions not stated): ExAC 0.00001; gnomAD exomes 0.00001; TOPMed 0.00001.
gnomAD v4.1: 16 of 1,204,711 alleles (0.0013%); highest among the groups gnomAD compares: African/African-American, 0.0017%; no homozygotes.

Submissions (2):

Women's Health and Genetics/Laboratory Corporation of America, LabCorp
Classification: Uncertain significance. Last evaluated: 2023-09-26. Review status: criteria provided, single submitter. Criteria: LabCorp Variant Classification Summary - May 2015. Collection method: clinical testing. Allele origin: germline.
Comment: Variant summary: PHF8 c.257C>T (p.Thr86Met) results in a non-conservative amino acid change located in the Zinc finger, PHD-type domain (IPR001965) of the encoded protein sequence. Four of five in-silico tools predict a benign effect of the variant on protein function. The variant allele was found at a frequency of 5.4e-06 in 183513 control chromosomes (gnomAD). The available data on variant occurrences in the general population are insufficient to allow any conclusion about variant significance. This report does not provide unequivocal conclusions about association of the variant with X-Linked Intellectual Disability Syndrome, Siderius Type. To our knowledge, no experimental evidence demonstrating an impact on protein function has been reported. The following publication has been ascertained in the context of this evaluation (PMID: 35469323). One submitter has cited clinical-significance assessments for this variant to ClinVar after 2014 and has classified the variant as uncertain significance. Based on the evidence outlined above, the variant was classified as uncertain significance.

GeneDx
Classification: Uncertain significance. Last evaluated: 2019-11-21. Review status: criteria provided, single submitter. Criteria: GeneDx Variant Classification Process June 2021. Collection method: clinical testing. Allele origin: germline. Affected: yes.
Comment: Has not been previously published as pathogenic or benign to our knowledge; In silico analysis, which includes protein predictors and evolutionary conservation, supports that this variant does not alter protein structure/function

Literature cited by the submitters: PubMed 35469323 (cited by Women's Health and Genetics/Laboratory Corporation of America, LabCorp).

NM_015107.3(PHF8):c.257C>T (p.Thr86Met)

Gene: PHF8 (PHD finger protein 8; minus strand). Cytogenetic location: Xp11.22.
Variant type: single nucleotide variant.
Coding change: c.257C>T on transcript NM_015107.3 (MANE Select); coding-DNA position 257, C replaced by T.
Protein change: p.Thr86Met; replaces threonine 86 with methionine.
Molecular consequence: missense variant.
Genome position (GRCh38, 1-based): chrX:54,022,295, G>A on the plus strand (C>T on the coding strand, the complement: PHF8 is on the minus strand). VCF-style: chrX-54022295-G-A. GRCh37 (hg19) VCF-style: chrX-54048728-G-A.
Other names: c.365C>T, p.Thr122Met (NM_001184896.1); c.257C>T, p.Thr86Met (NM_001184897.2, NM_001184898.2); short protein forms T122M, T86M.
Identifiers: ClinVar variation 1199843 (VCV001199843.4), dbSNP rs782156466, ClinGen allele CA10423648.